The following is an entry in ClinVar:

NM_003482.4(KMT2D):c.12799C>T (p.Pro4267Ser)

Gene: KMT2D (lysine methyltransferase 2D; minus strand). Cytogenetic location: 12q13.12.
Variant type: single nucleotide variant.
Coding change: c.12799C>T on transcript NM_003482.4 (MANE Select); coding-DNA position 12799, C replaced by T.
Protein change: p.Pro4267Ser; replaces proline 4267 with serine.
Molecular consequence: missense variant.
Genome position (GRCh38, 1-based): chr12:49,031,906, G>A on the plus strand (C>T on the coding strand, the complement: KMT2D is on the minus strand). VCF-style: chr12-49031906-G-A. GRCh37 (hg19) VCF-style: chr12-49425689-G-A.
Other names: short protein forms P4267S.
Identifiers: ClinVar variation 2062571 (VCV002062571.4), dbSNP rs1259726868, ClinGen allele CA384709193.

ClinVar aggregate classification (germline): Uncertain significance (1 of 4 stars; one submission).

Conditions:
Kabuki syndrome. Also called: Kabuki make-up syndrome; NIIKAWA-KUROKI SYNDROME. Identifiers: Orphanet 2322, MedGen C0796004, MONDO:0016512.

Allele frequency attached by ClinVar (database versions not stated): gnomAD 0.00001; gnomAD exomes 0.00001; TOPMed 0.00001.
gnomAD v4.1: 17 of 1,536,454 alleles (0.0011%); highest among the groups gnomAD compares: East Asian, 0.0023%; no homozygotes.

Submission:

Labcorp Genetics (formerly Invitae), Labcorp
Classification: Uncertain significance for Kabuki syndrome. Last evaluated: 2023-02-18. Review status: criteria provided, single submitter. Criteria: Invitae Variant Classification Sherloc (09022015). Collection method: clinical testing. Allele origin: germline.
Comment: In summary, the available evidence is currently insufficient to determine the role of this variant in disease. Therefore, it has been classified as a Variant of Uncertain Significance. Advanced modeling of protein sequence and biophysical properties (such as structural, functional, and spatial information, amino acid conservation, physicochemical variation, residue mobility, and thermodynamic stability) performed at Invitae indicates that this missense variant is not expected to disrupt KMT2D protein function. This variant has not been reported in the literature in individuals affected with KMT2D-related conditions. This variant is not present in population databases (gnomAD no frequency). This sequence change replaces proline, which is neutral and non-polar, with serine, which is neutral and polar, at codon 4267 of the KMT2D protein (p.Pro4267Ser).